The following is an entry in ClinVar:

ClinVar aggregate classification (germline): Pathogenic (1 of 4 stars; one submission).

Conditions:
Hypertrophic cardiomyopathy. Also called: HYPERTROPHIC MYOCARDIOPATHY. Identifiers: Orphanet 217569, MedGen C0007194, MeSH D002312, MONDO:0005045, HP:0001639.

Submission:

Labcorp Genetics (formerly Invitae), Labcorp
Classification: Pathogenic for Hypertrophic cardiomyopathy. Last evaluated: 2024-02-24. Review status: criteria provided, single submitter. Criteria: Invitae Variant Classification Sherloc (09022015). Collection method: clinical testing. Allele origin: germline.
Comment: This sequence change creates a premature translational stop signal (p.Pro106Leufs*53) in the MYBPC3 gene. It is expected to result in an absent or disrupted protein product. Loss-of-function variants in MYBPC3 are known to be pathogenic (PMID: 19574547). This variant is not present in population databases (gnomAD no frequency). This premature translational stop signal has been observed in individual(s) with hypertrophic cardiomyopathy (PMID: 21799269). It has also been observed to segregate with disease in related individuals. ClinVar contains an entry for this variant (Variation ID: 454324). For these reasons, this variant has been classified as Pathogenic.

Literature cited by the submitters: PubMed 19574547; PubMed 21799269.

NM_000256.3(MYBPC3):c.317del (p.Pro106fs)

Gene: MYBPC3 (myosin binding protein C3; minus strand). Cytogenetic location: 11p11.2.
Variant type: Deletion.
Coding change: c.317del on transcript NM_000256.3 (MANE Select); coding-DNA position 317, one base deleted (C; older notation c.317delC).
Protein change: p.Pro106fs; shifts the reading frame from proline 106.
Molecular consequence: frameshift variant.
Genome position (GRCh38, 1-based): chr11:47,350,591, G deleted on the plus strand (C on the coding strand, the reverse complement: MYBPC3 is on the minus strand); the first of 4 consecutive G bases (chr11:47,350,591-47,350,594); deleting any one gives the same sequence. VCF-style (leftmost placement, unchanged base first): chr11-47350590-AG-A. GRCh37 (hg19) VCF-style: chr11-47372141-AG-A.
Other names: c.317delC (NM_000256.3); c.317del, p.Pro106fs (LRG_386t1); short protein forms P106fs.
Identifiers: ClinVar variation 454324 (VCV000454324.9), dbSNP rs1555123629, ClinGen allele CA658658054.